The following is an entry in ClinVar:

NM_001365536.1(SCN9A):c.3228T>A (p.Gly1076=)

Genes: SCN1A-AS1 (SCN1A and SCN9A antisense RNA 1; plus strand), SCN9A (sodium voltage-gated channel alpha subunit 9; minus strand). Cytogenetic location: 2q24.3.
Variant type: single nucleotide variant.
Coding change: c.3228T>A on transcript NM_001365536.1 (MANE Select); coding-DNA position 3228, T replaced by A.
Protein change: p.Gly1076=; no amino-acid change (glycine 1076 retained).
Molecular consequence: synonymous variant.
Genome position (GRCh38, 1-based): chr2:166,272,522, A>T on the plus strand (T>A on the coding strand, the complement: SCN9A is on the minus strand). VCF-style: chr2-166272522-A-T. GRCh37 (hg19) VCF-style: chr2-167129032-A-T.
Other names: p.Gly1065=; c.3195T>A, p.Gly1065= (NM_002977.4).
Identifiers: ClinVar variation 381276 (VCV000381276.58), dbSNP rs200393050, ClinGen allele CA1944116.

ClinVar aggregate classification (germline): Likely benign. Review status: criteria provided, multiple submitters, no conflicts (2 of 4 stars). 6 submissions from 6 submitters: Likely benign (5). 1 of the submissions does not count toward it. Last evaluated 2026-02-03.

Conditions:
SCN9A-related disorder. Also called: SCN9A-related disorders; SCN9A-related condition.
Generalized epilepsy with febrile seizures plus, type 7 (GEFSP7). Also called: GEFS+, TYPE 7. Identifiers: Orphanet 36387, MedGen C2751778, MONDO:0013470, OMIM 613863.
Neuropathy, hereditary sensory and autonomic, type 2A (HSAN2A). Also called: ACROOSTEOLYSIS, GIACCAI TYPE; ACROOSTEOLYSIS, NEUROGENIC; MORVAN DISEASE; NEUROPATHY, CONGENITAL SENSORY; NEUROPATHY, HEREDITARY SENSORY RADICULAR, AUTOSOMAL RECESSIVE; NEUROPATHY, HEREDITARY SENSORY, TYPE IIA. Identifiers: Orphanet 970, MedGen C2752089, MONDO:0024309, OMIM 201300.
Inborn genetic diseases. Identifiers: MedGen C0950123, MeSH D030342.

Allele frequency attached by ClinVar (database versions not stated): gnomAD 0.00013 and 0.00014; gnomAD exomes 0.00028 and 0.00015; ESP Exome Variant Server 0.00033; TOPMed 0.00015; ExAC 0.00016.
gnomAD v4.1: 412 of 1,613,294 alleles (0.026%); highest among the groups gnomAD compares: Non-Finnish European, 0.034%; no homozygotes.

Submissions (6):

Labcorp Genetics (formerly Invitae), Labcorp
Classification: Likely benign for Neuropathy, hereditary sensory and autonomic, type 2A; Generalized epilepsy with febrile seizures plus, type 7. Last evaluated: 2026-02-03. Review status: criteria provided, single submitter. Criteria: Invitae Variant Classification Sherloc (09022015). Collection method: clinical testing. Allele origin: germline.

Mayo Clinic Laboratories, Mayo Clinic
Classification: Likely benign. Last evaluated: 2025-07-29. Review status: criteria provided, single submitter. Criteria: ACMG Guidelines, 2015. Collection method: clinical testing. Allele origin: germline. Observed: 1 variant allele.
Comment: BP4, BP7

Blueprint Genetics
Classification: Likely benign. Last evaluated: 2023-11-30. Review status: criteria provided, single submitter. Criteria: ACMG Guidelines, 2015. Collection method: clinical testing. Allele origin: germline.

GeneDx
Classification: Likely benign. Last evaluated: 2020-06-15. Review status: criteria provided, single submitter. Criteria: GeneDx Variant Classification Process June 2021. Collection method: clinical testing. Allele origin: germline. Affected: yes.

Ambry Genetics
Classification: Likely benign for Inborn genetic diseases. Last evaluated: 2019-07-11. Review status: criteria provided, single submitter. Criteria: Ambry Variant Classification Scheme 2023. Collection method: clinical testing. Allele origin: germline.

PreventionGenetics, part of Exact Sciences
Classification: Likely benign for SCN9A-related condition. Last evaluated: 2019-03-20. Review status: no assertion criteria provided. Collection method: clinical testing. Allele origin: germline. Not counted in ClinVar's aggregate classification.
Comment: This variant is classified as likely benign based on ACMG/AMP sequence variant interpretation guidelines (Richards et al. 2015 PMID: 25741868, with internal and published modifications).